The following is an entry in ClinVar:

NM_001451.3(FOXF1):c.306C>G (p.Leu102=)

Gene: FOXF1 (forkhead box F1; plus strand). Cytogenetic location: 16q24.1.
Variant type: single nucleotide variant.
Coding change: c.306C>G on transcript NM_001451.3 (MANE Select); coding-DNA position 306, C replaced by G.
Protein change: p.Leu102=; no amino-acid change (leucine 102 retained).
Molecular consequence: synonymous variant.
Genome position (GRCh38, 1-based): chr16:86,510,875, C>G. VCF-style: chr16-86510875-C-G. GRCh37 (hg19) VCF-style: chr16-86544481-C-G.
Identifiers: ClinVar variation 3039849 (VCV003039849.3), dbSNP rs545170184, ClinGen allele CA285810145.

ClinVar aggregate classification (germline): Likely benign. Review status: criteria provided, single submitter (1 of 4 stars). 2 submissions from 2 submitters: Likely benign (1). 1 of the submissions does not count toward it. Last evaluated 2024-09-16.

Conditions:
FOXF1-related disorder. Also called: FOXF1-related condition.

Allele frequency attached by ClinVar (database versions not stated): gnomAD 0.00001.
gnomAD v4.1: 12 of 1,614,002 alleles (0.00074%); highest among the groups gnomAD compares: African/African-American, 0.011%; no homozygotes.

Submissions (2):

Blueprint Genetics
Classification: Likely benign. Last evaluated: 2024-09-16. Review status: criteria provided, single submitter. Criteria: ACMG Guidelines, 2015. Collection method: clinical testing. Allele origin: germline.

PreventionGenetics, part of Exact Sciences
Classification: Likely benign for FOXF1-related condition. Last evaluated: 2019-09-17. Review status: no assertion criteria provided. Collection method: clinical testing. Allele origin: germline. Not counted in ClinVar's aggregate classification.
Comment: This variant is classified as likely benign based on ACMG/AMP sequence variant interpretation guidelines (Richards et al. 2015 PMID: 25741868, with internal and published modifications).